The following is an entry in ClinVar:

NM_022725.4(FANCF):c.*106T>C

Gene: FANCF (FA complementation group F; minus strand). Cytogenetic location: 11p14.3.
Variant type: single nucleotide variant.
Coding change: c.*106T>C on transcript NM_022725.4 (MANE Select); 106 bases downstream of the stop codon, T replaced by C.
Molecular consequence: 3 prime UTR variant.
Genome position (GRCh38, 1-based): chr11:22,624,580, A>G on the plus strand (T>C on the coding strand, the complement: FANCF is on the minus strand). VCF-style: chr11-22624580-A-G. GRCh37 (hg19) VCF-style: chr11-22646126-A-G.
Identifiers: ClinVar variation 304198 (VCV000304198.6), dbSNP rs16909782, ClinGen allele CA10638235.

ClinVar aggregate classification (germline): Benign. Review status: criteria provided, multiple submitters, no conflicts (2 of 4 stars). 2 submissions from 2 submitters: Benign (2). Last evaluated 2018-01-12.

Conditions:
Fanconi anemia complementation group F. Also called: FANCF-Related Fanconi Anemia. Identifiers: Orphanet 84, MedGen C3469526, MONDO:0011325, OMIM 603467.

Allele frequency attached by ClinVar (database versions not stated): gnomAD 0.00215 and 0.00384; TOPMed 0.00348; gnomAD exomes 0.00401; 1000 Genomes Project 30x 0.02108; 1000 Genomes Project 0.02276.

Submissions (2):

Illumina Laboratory Services, Illumina
Classification: Benign for Fanconi anemia complementation group F. Last evaluated: 2018-01-12. Review status: criteria provided, single submitter. Criteria: ICSL Variant Classification Criteria 13 December 2019. Collection method: clinical testing. Allele origin: germline.
Comment: This variant was observed in the ICSL laboratory as part of a predisposition screen in an ostensibly healthy population. It had not been previously curated by ICSL or reported in the Human Gene Mutation Database (HGMD: prior to June 1st, 2018), and was therefore a candidate for classification through an automated scoring system. Utilizing variant allele frequency, disease prevalence and penetrance estimates, and inheritance mode, an automated score was calculated to assess if this variant is too frequent to cause the disease. Based on the score and internal cut-off values, a variant classified as benign is not then subjected to further curation. The score for this variant resulted in a classification of benign for this disease.

Breakthrough Genomics
Classification: Benign. Review status: criteria provided, single submitter. Criteria: ACMG Guidelines, 2015. Collection method: not provided. Allele origin: germline. Inheritance: Autosomal recessive inheritance. Affected: yes.